The following is an entry in ClinVar:

ClinVar aggregate classification (germline): Uncertain significance. Review status: criteria provided, multiple submitters, no conflicts (2 of 4 stars). 3 submissions from 3 submitters: Uncertain significance (2). 1 of the submissions does not count toward it. Last evaluated 2022-10-06.

Conditions:
BBS9-related disorder. Also called: BBS9-related condition.
Bardet-Biedl syndrome (BBS). Identifiers: Orphanet 110, MedGen C0752166, MONDO:0015229.

Allele frequency attached by ClinVar (database versions not stated): TOPMed below 0.00001; ExAC 0.00001; gnomAD 0.00001.
gnomAD v4.1: 27 of 1,614,000 alleles (0.0017%); highest among the groups gnomAD compares: East Asian, 0.0022%; no homozygotes.

Submissions (3):

Blueprint Genetics
Classification: Uncertain significance. Last evaluated: 2022-10-06. Review status: criteria provided, single submitter. Criteria: ACMG Guidelines, 2015. Collection method: clinical testing. Allele origin: germline.

Labcorp Genetics (formerly Invitae), Labcorp
Classification: Uncertain significance for Bardet-Biedl syndrome. Last evaluated: 2021-09-01. Review status: criteria provided, single submitter. Criteria: Invitae Variant Classification Sherloc (09022015). Collection method: clinical testing. Allele origin: germline.
Comment: This sequence change replaces proline with leucine at codon 691 of the BBS9 protein (p.Pro691Leu). The proline residue is highly conserved and there is a moderate physicochemical difference between proline and leucine. This variant is present in population databases (rs759571062, ExAC 0.001%). This variant has not been reported in the literature in individuals affected with BBS9-related conditions. Algorithms developed to predict the effect of missense changes on protein structure and function are either unavailable or do not agree on the potential impact of this missense change (SIFT: "Deleterious"; PolyPhen-2: "Possibly Damaging"; Align-GVGD: "Class C0"). In summary, the available evidence is currently insufficient to determine the role of this variant in disease. Therefore, it has been classified as a Variant of Uncertain Significance.

PreventionGenetics, part of Exact Sciences
Classification: Uncertain significance for BBS9-related condition. Last evaluated: 2024-01-10. Review status: no assertion criteria provided. Collection method: clinical testing. Allele origin: germline. Not counted in ClinVar's aggregate classification.
Comment: The BBS9 c.2072C>T variant is predicted to result in the amino acid substitution p.Pro691Leu. To our knowledge, this variant has not been reported in the literature. This variant is reported in 0.00088% of alleles in individuals of European (Non-Finnish) descent in gnomAD. At this time, the clinical significance of this variant is uncertain due to the absence of conclusive functional and genetic evidence.

NM_198428.3(BBS9):c.2072C>T (p.Pro691Leu)

Gene: BBS9 (Bardet-Biedl syndrome 9; plus strand). Cytogenetic location: 7p14.3.
Variant type: single nucleotide variant.
Coding change: c.2072C>T on transcript NM_198428.3 (MANE Select); coding-DNA position 2072, C replaced by T.
Protein change: p.Pro691Leu; replaces proline 691 with leucine.
Molecular consequence: missense variant. On other transcripts: non-coding transcript variant (3).
Genome position (GRCh38, 1-based): chr7:33,388,101, C>T. VCF-style: chr7-33388101-C-T. GRCh37 (hg19) VCF-style: chr7-33427713-C-T.
Other names: c.2072C>T (NM_198428.2); c.1967C>T, p.Pro656Leu (NM_001033604.2); c.2057C>T, p.Pro686Leu (NM_001033605.2); c.2072C>T, p.Pro691Leu (NM_001348036.1, NM_001348041.4, NM_001348043.3 and 1 more transcripts); c.1706C>T, p.Pro569Leu (NM_001348037.3, NM_001348045.3, NM_001348046.3); c.1799C>T, p.Pro600Leu (NM_001348038.3); c.1694C>T, p.Pro565Leu (NM_001348039.3); c.1952C>T, p.Pro651Leu (NM_001348040.3, NM_014451.4); and 2 more; short protein forms P534L, P565L, P569L, P600L, P646L, P651L, P656L, P686L.
Identifiers: ClinVar variation 1020841 (VCV001020841.8), dbSNP rs759571062, ClinGen allele CA4214591.
Genomic context (GRCh38, chr7:33,388,101, plus strand): 5'-TACAATTTCGGGCCATTCAACGCCGGCTACTAGCAAGATTCAAAGATAAAACTCCTGCCC[C>T]TCTTCAACACCTGGACACCTTGTTAGATGGAACCTACAAGCAGGTCAGTATAATATCAGT-3'
Protein context (NP_940820.1, residues 681-701): LARFKDKTPA[Pro691Leu]LQHLDTLLDG